The following is an entry in ClinVar:

ClinVar aggregate classification (germline): Likely pathogenic. Review status: criteria provided, multiple submitters, no conflicts (2 of 4 stars). 3 submissions from 3 submitters: Likely pathogenic (2). 1 of the submissions does not count toward it. Last evaluated 2017-03-02.

Conditions:
Severe myoclonic epilepsy in infancy (DRVT). Also called: SEVERE MYOCLONIC EPILEPSY OF INFANCY; DEVELOPMENTAL AND EPILEPTIC ENCEPHALOPATHY 6A; Severe Myoclonic Epilepsy in Infancy (SMEI); Dravet syndrome; Epileptic encephalopathy, early infantile, 6 (Dravet syndrome). Identifiers: Orphanet 33069, MedGen C0751122, MONDO:0100135, OMIM 607208.
Seizure. Also called: Seizures. Identifiers: MedGen C0036572, HP:0001250.

Submissions (3):

GeneDx
Classification: Likely pathogenic. Last evaluated: 2017-03-02. Review status: criteria provided, single submitter. Criteria: GeneDx Variant Classification (06012015). Collection method: clinical testing. Allele origin: germline. Affected: yes.
Comment: The W1812G missense variant in the SCN1A gene has been reported previously as a denovo variant in an individual with severe myoclonic epilepsy in infancy (SMEI) (Fujiwaraet al., 2003). It was not observed in approximately 6,500 individuals of European andAfrican American ancestry in the NHLBI Exome Sequencing Project, indicating it is not acommon benign variant in these populations. The W1812G variant is a semi-conservativeamino acid substitution, which may impact secondary protein structure as these residuesdiffer in some properties. This substitution occurs at a position that is conserved acrossspecies, and different missense variants in the same residue (W1812S, W1812R) havebeen reported previously as de novo in association with SCN1A-related disorders(SCN1A Variant Database). In silico analysis predicts this variant is probably damaging tothe protein structure/function. Therefore, we consider the W1812G variant to be pathogenic.

Genetic Services Laboratory, University of Chicago
Classification: Likely pathogenic for Seizures. Last evaluated: 2014-09-03. Review status: criteria provided, single submitter. Criteria: ACMG Guidelines, 2015. Collection method: clinical testing. Allele origin: germline. Affected: yes.

UniProtKB/Swiss-Prot
No classification provided. Condition: Severe myoclonic epilepsy in infancy. Review status: no classification provided. Collection method: not provided. Allele origin: germline. Not counted in ClinVar's aggregate classification.

NM_001165963.4(SCN1A):c.5434T>G (p.Trp1812Gly)

Genes: SCN1A (sodium voltage-gated channel alpha subunit 1; minus strand), LOC102724058 (uncharacterized LOC102724058; plus strand). Cytogenetic location: 2q24.3.
Variant type: single nucleotide variant.
Coding change: c.5434T>G on transcript NM_001165963.4 (MANE Select); coding-DNA position 5434, T replaced by G.
Protein change: p.Trp1812Gly; replaces tryptophan 1812 with glycine.
Molecular consequence: missense variant. On other transcripts: non-coding transcript variant (1).
Genome position (GRCh38, 1-based): chr2:165,991,841, A>C on the plus strand (T>G on the coding strand, the complement: SCN1A is on the minus strand). VCF-style: chr2-165991841-A-C. GRCh37 (hg19) VCF-style: chr2-166848351-A-C.
Other names: c.5350T>G, p.Trp1784Gly (NM_001165964.3, NM_001353957.2, NM_001353958.2); c.5434T>G, p.Trp1812Gly (NM_001202435.3, NM_001353948.2); c.5401T>G, p.Trp1801Gly (NM_001353949.2, NM_001353950.2, NM_001353951.2 and 2 more transcripts); c.5398T>G, p.Trp1800Gly (NM_001353954.2, NM_001353955.2); c.5347T>G, p.Trp1783Gly (NM_001353960.2); c.2992T>G, p.Trp998Gly (NM_001353961.2); short protein forms W1801G, W1812G, W1783G, W1784G, W1800G, W998G.
Identifiers: ClinVar variation 68662 (VCV000068662.7), dbSNP rs121918751, ClinGen allele CA206668.
Genomic context (GRCh38, chr2:165,991,841, plus strand): 5'-CAAACTGAGATAATTTTTCAAATTCCATGAACTGAGTTGCATCGGGATCAAACTTCTCCC[A>C]AACCTCATAGAACATCTCAAAGTCATCCTCACTCAGAGGCTCTGCACTTTCTTCAGTAGC-3'
Protein context (NP_001159435.1, residues 1802-1822): EDDFEMFYEV[Trp1812Gly]EKFDPDATQF